The following is an entry in ClinVar:

ClinVar aggregate classification (germline): Uncertain significance. Review status: criteria provided, multiple submitters, no conflicts (2 of 4 stars). 2 submissions from 2 submitters: Uncertain significance (2). Last evaluated 2021-09-24.

Conditions:
MEGF8-related Carpenter syndrome. Also called: Carpenter syndrome 2. Identifiers: Orphanet 65759, MedGen C3554247, MONDO:0013998, OMIM 614976.
Inborn genetic diseases. Identifiers: MedGen C0950123, MeSH D030342.

Allele frequency attached by ClinVar (database versions not stated): ESP Exome Variant Server 0.00015.
gnomAD v4.1: 35 of 1,613,734 alleles (0.0022%); highest among the groups gnomAD compares: Non-Finnish European, 0.0025%; no homozygotes.

Submissions (2):

Labcorp Genetics (formerly Invitae), Labcorp
Classification: Uncertain significance for MEGF8-related Carpenter syndrome. Last evaluated: 2021-09-24. Review status: criteria provided, single submitter. Criteria: Invitae Variant Classification Sherloc (09022015). Collection method: clinical testing. Allele origin: germline.
Comment: This sequence change replaces arginine with leucine at codon 2240 of the MEGF8 protein (p.Arg2240Leu). The arginine residue is moderately conserved and there is a moderate physicochemical difference between arginine and leucine. This variant is present in population databases (rs142506261, ExAC 0.01%). This variant has not been reported in the literature in individuals with MEGF8-related conditions. Algorithms developed to predict the effect of missense changes on protein structure and function are either unavailable or do not agree on the potential impact of this missense change (SIFT: "Deleterious"; PolyPhen-2: "Possibly Damaging"; Align-GVGD: "Class C0"). In summary, the available evidence is currently insufficient to determine the role of this variant in disease. Therefore, it has been classified as a Variant of Uncertain Significance.

Ambry Genetics
Classification: Uncertain significance for Inborn genetic diseases. Last evaluated: 2021-06-18. Review status: criteria provided, single submitter. Criteria: Ambry Variant Classification Scheme 2023. Collection method: clinical testing. Allele origin: germline.

NM_001271938.2(MEGF8):c.6920G>T (p.Arg2307Leu)

Gene: MEGF8 (multiple EGF like domains 8; plus strand). Cytogenetic location: 19q13.2.
Variant type: single nucleotide variant.
Coding change: c.6920G>T on transcript NM_001271938.2 (MANE Select); coding-DNA position 6920, G replaced by T.
Protein change: p.Arg2307Leu; replaces arginine 2307 with leucine.
Molecular consequence: missense variant.
Genome position (GRCh38, 1-based): chr19:42,370,274, G>T. VCF-style: chr19-42370274-G-T. GRCh37 (hg19) VCF-style: chr19-42874426-G-T.
Other names: c.6719G>T, p.Arg2240Leu (NM_001410.3); c.6719G>T (NM_001410.2); short protein forms R2240L, R2307L.
Identifiers: ClinVar variation 1510485 (VCV001510485.6), dbSNP rs142506261, ClinGen allele CA9476014.